The following is an entry in ClinVar:

ClinVar aggregate classification (germline): Likely pathogenic (1 of 4 stars; one submission).

Submission:

Labcorp Genetics (formerly Invitae), Labcorp
Classification: Likely pathogenic. Last evaluated: 2023-12-21. Review status: criteria provided, single submitter. Criteria: Invitae Variant Classification Sherloc (09022015). Collection method: clinical testing. Allele origin: germline.
Comment: This sequence change affects a donor splice site in intron 1 of the COQ2 gene. It is expected to disrupt RNA splicing. Variants that disrupt the donor or acceptor splice site typically lead to a loss of protein function (PMID: 16199547), and loss-of-function variants in COQ2 are known to be pathogenic (PMID: 16400613, 17374725). This variant is not present in population databases (gnomAD no frequency). This variant has not been reported in the literature in individuals affected with COQ2-related conditions. ClinVar contains an entry for this variant (Variation ID: 2022845). Algorithms developed to predict the effect of sequence changes on RNA splicing suggest that this variant may disrupt the consensus splice site. In summary, the currently available evidence indicates that the variant is pathogenic, but additional data are needed to prove that conclusively. Therefore, this variant has been classified as Likely Pathogenic.

Literature cited by the submitters: PubMed 16199547; PubMed 16400613; PubMed 17374725.

NM_001358921.2(COQ2):c.253+1G>A

Genes: COQ2 (coenzyme Q2, polyprenyltransferase; minus strand), LOC112997540 (Sharpr-MPRA regulatory region 13773; plus strand). Cytogenetic location: 4q21.23.
Variant type: single nucleotide variant.
Coding change: c.253+1G>A on transcript NM_001358921.2 (MANE Select); the canonical splice donor site of the intron after coding-DNA position 253, G replaced by A.
Molecular consequence: splice donor variant.
Genome position (GRCh38, 1-based): chr4:83,284,511, C>T on the plus strand (G>A on the coding strand, the complement: COQ2 is on the minus strand). VCF-style: chr4-83284511-C-T. GRCh37 (hg19) VCF-style: chr4-84205664-C-T.
Other names: c.403+1G>A (NM_015697.9).
Identifiers: ClinVar variation 2022845 (VCV002022845.4), dbSNP rs1397203669, ClinGen allele CA357230777.